The following is an entry in ClinVar:

ClinVar aggregate classification (germline): Likely benign (0 of 4 stars; one submission).

Conditions:
PTS-related disorder. Also called: PTS-related condition.

Allele frequency attached by ClinVar (database versions not stated): gnomAD 0.00008; TOPMed 0.00008.

Submission:

PreventionGenetics, part of Exact Sciences
Classification: Likely benign for PTS-related condition. Last evaluated: 2019-03-14. Review status: no assertion criteria provided. Collection method: clinical testing. Allele origin: germline.
Comment: This variant is classified as likely benign based on ACMG/AMP sequence variant interpretation guidelines (Richards et al. 2015 PMID: 25741868, with internal and published modifications).

NM_000317.3(PTS):c.163+753C>T

Gene: PTS (6-pyruvoyltetrahydropterin synthase; plus strand). Cytogenetic location: 11q23.1.
Variant type: single nucleotide variant.
Coding change: c.163+753C>T on transcript NM_000317.3 (MANE Select); 753 bases into the intron after coding-DNA position 163, C replaced by T.
Molecular consequence: intron variant.
Genome position (GRCh38, 1-based): chr11:112,229,426, C>T. VCF-style: chr11-112229426-C-T. GRCh37 (hg19) VCF-style: chr11-112100149-C-T.
Identifiers: ClinVar variation 3057702 (VCV003057702.2), dbSNP rs746668080, ClinGen allele CA228598108.
Genomic context (GRCh38, chr11:112,229,426, plus strand): 5'-TGTAAAGCACTGATAAAGTTTTTTTTTGTTGTTGTTGTTTTTTTTTTTGAGATGGAGTTC[C>T]ACTCTTTTTGCCCAGGCTGGAATGGTGTGATCTCCCGTCACTACAACCTCCACCTCCCAG-3'